The following is an entry in ClinVar:

NM_003172.4(SURF1):c.54+34_55-2del

Genes: SURF1 (SURF1 cytochrome c oxidase assembly factor; minus strand), LOC130002899 (ATAC-STARR-seq lymphoblastoid silent region 20452; plus strand). Cytogenetic location: 9q34.2.
Variant type: Deletion.
Coding change: c.54+34_55-2del on transcript NM_003172.4 (MANE Select); 34 bases into the intron after coding-DNA position 54 through the canonical splice acceptor site of the intron before coding-DNA position 55, 45 bases deleted.
Molecular consequence: splice acceptor variant. On other transcripts: intron variant (1).
Genome position (GRCh38, 1-based): chr9:133,356,322-133,356,366, 45 bases deleted. GRCh37 (hg19): chr9:136,223,177-136,223,221.
Other names: c.-222+34_-222+78del (NM_001280787.1).
Identifiers: ClinVar variation 1961985 (VCV001961985.5), dbSNP rs2490628066, ClinGen allele CA2580079964.
Genomic context (GRCh38, chr9:133,356,321, plus strand): 5'-GCCCTCACCTGGGCGCGGGGAGACCCTGAGGACGCTCCTCCAGGCGGCGCTGGCCGGGGC[CTGCGGACACGGACGGGCGGGCTGAGCTCCGGGACCCCTCCCCGCG>C]CCCCGCACCCCGCACCCCGCACCCGGCGCTCACCCGTCCCAGCCCCGCCGCCCGCAGCCC-3'

ClinVar aggregate classification (germline): Likely pathogenic (1 of 4 stars; one submission).

Conditions:
Leigh syndrome (NULS). Also called: Leigh's necrotizing encephalopathy; Leigh's disease; Leigh Syndrome (mtDNA deletion); Leigh's syndrome; LEIGH SYNDROME, NUCLEAR; Leigh Disease. Identifiers: Orphanet 506, MedGen C2931891, MONDO:0009723, OMIM 256000.

Submission:

Labcorp Genetics (formerly Invitae), Labcorp
Classification: Likely pathogenic for Leigh syndrome. Last evaluated: 2023-08-10. Review status: criteria provided, single submitter. Criteria: Invitae Variant Classification Sherloc (09022015). Collection method: clinical testing. Allele origin: germline.
Comment: In summary, the currently available evidence indicates that the variant is pathogenic, but additional data are needed to prove that conclusively. Therefore, this variant has been classified as Likely Pathogenic. Algorithms developed to predict the effect of sequence changes on RNA splicing suggest that this variant may disrupt the consensus splice site. This variant has not been reported in the literature in individuals affected with SURF1-related conditions. The frequency data for this variant in the population databases is considered unreliable, as metrics indicate insufficient coverage at this position in the gnomAD database. This variant results in the deletion of part of exon 2 (c.54+47_55del) of the SURF1 gene. It is expected to disrupt RNA splicing. Variants that disrupt the donor or acceptor splice site typically lead to a loss of protein function (PMID: 16199547), and loss-of-function variants in SURF1 are known to be pathogenic (PMID: 10443880, 22488715, 24027061).

Literature cited by the submitters: PubMed 16199547; PubMed 10443880; PubMed 22488715; PubMed 24027061.